The following is an entry in ClinVar:

ClinVar aggregate classification (germline): Likely benign (1 of 4 stars; one submission).

Submission:

CeGaT Center for Human Genetics Tuebingen
Classification: Likely benign. Last evaluated: 2024-03-01. Review status: criteria provided, single submitter. Criteria: CeGaT Center For Human Genetics Tuebingen Variant Classification Criteria Version 2. Collection method: clinical testing. Allele origin: germline. Affected: yes. Observed: 1 variant allele.
Comment: NOTCH2: PM2:Supporting, BP4, BP7

NM_024408.4(NOTCH2):c.6918T>G (p.Thr2306=)

Gene: NOTCH2 (notch receptor 2; minus strand). Cytogenetic location: 1p12.
Variant type: single nucleotide variant.
Coding change: c.6918T>G on transcript NM_024408.4 (MANE Select); coding-DNA position 6918, T replaced by G.
Protein change: p.Thr2306=; no amino-acid change (threonine 2306 retained).
Molecular consequence: synonymous variant.
Genome position (GRCh38, 1-based): chr1:119,915,804, A>C on the plus strand (T>G on the coding strand, the complement: NOTCH2 is on the minus strand). VCF-style: chr1-119915804-A-C. GRCh37 (hg19) VCF-style: chr1-120458427-A-C.
Identifiers: ClinVar variation 3067701 (VCV003067701.21), dbSNP rs2526104706, ClinGen allele CA420189668.
Genomic context (GRCh38, chr1:119,915,804, plus strand): 5'-GGACTGAGGCTGGGGAGCCCCCGCTGGTTGGGCAATACTGCCTTTAGGGATGAGCTGGAA[A>C]GTCACAATGGGGGGCAAGGGCTCCCGAGGGGTGGTTATGTGCTTCCCTTCAGGTGGCCTG-3'
Protein context (NP_077719.2, residues 2296-2316): TPREPLPPIV[Thr2306=]FQLIPKGSIA